The following is an entry in ClinVar:

ClinVar aggregate classification (germline): Uncertain significance (1 of 4 stars; one submission).

Submission:

GeneDx
Classification: Uncertain significance. Last evaluated: 2025-04-08. Review status: criteria provided, single submitter. Criteria: GeneDx Variant Classification Process June 2021. Collection method: clinical testing. Allele origin: germline. Affected: yes.
Comment: Not observed at significant frequency in large population cohorts (gnomAD); In silico analysis supports that this missense variant has a deleterious effect on protein structure/function; Has not been previously published as pathogenic or benign to our knowledge

NM_003171.5(SUPV3L1):c.1586T>C (p.Leu529Pro)

Gene: SUPV3L1 (Suv3 like RNA helicase; plus strand). Cytogenetic location: 10q22.1.
Variant type: single nucleotide variant.
Coding change: c.1586T>C on transcript NM_003171.5 (MANE Select); coding-DNA position 1586, T replaced by C.
Protein change: p.Leu529Pro; replaces leucine 529 with proline.
Molecular consequence: missense variant. On other transcripts: non-coding transcript variant (2).
Genome position (GRCh38, 1-based): chr10:69,202,506, T>C. VCF-style: chr10-69202506-T-C. GRCh37 (hg19) VCF-style: chr10-70962262-T-C.
Other names: c.1193T>C, p.Leu398Pro (NM_001301683.2, NM_001323584.2); c.1223T>C, p.Leu408Pro (NM_001323585.2, NM_001323586.2); c.599T>C, p.Leu200Pro (NM_001323587.2, NM_001323588.2); short protein forms L200P, L398P, L408P, L529P.
Identifiers: ClinVar variation 4282449 (VCV004282449.1).